The following is an entry in ClinVar:

ClinVar aggregate classification (germline): Benign/Likely benign. Review status: criteria provided, multiple submitters, no conflicts (2 of 4 stars). 17 submissions from 16 submitters: Benign (13); Likely benign (2). 2 of the submissions do not count toward it. Last evaluated 2026-09-01.

Conditions:
RYR1-related disorder. Also called: RYR1-related disorders; RYR1-related condition. Identifiers: MedGen CN239331.
Malignant hyperthermia, susceptibility to, 1 (MHS1). Also called: Malignant hyperthermia suceptibility 1; Anesthesia related hyperthermia; Malignant hyperpyrexia; Fulminating hyperpyrexia; Pharmacogenic myopathy; RYR1-Related Malignant Hyperthermia Susceptibility. Identifiers: Orphanet 423, MedGen C2930980, MONDO:0007783, OMIM 145600.
Congenital multicore myopathy with external ophthalmoplegia (CMYO1B). Also called: Congenital myopathy 1B, autosomal recessive; Minicore myopathy; MULTICORE MYOPATHY; MULTIMINICORE DISEASE WITH EXTERNAL OPHTHALMOPLEGIA; Minicore myopathy with external ophthalmoplegia. Identifiers: Orphanet 598, Orphanet 98905, MedGen C1850674, MONDO:0009712, OMIM 255320, HP:0003789.

Allele frequency attached by ClinVar (database versions not stated): 1000 Genomes Project 0.00240; 1000 Genomes Project 30x 0.00250; gnomAD 0.00272 and 0.00301; TOPMed 0.00317; ESP Exome Variant Server 0.00408; gnomAD exomes 0.00412 and 0.00453; ExAC 0.00483.
gnomAD v4.1: 7,044 of 1,611,234 alleles (0.44%); highest among the groups gnomAD compares: South Asian, 1.2%; 42 homozygotes.

Submissions (17):

CeGaT Center for Human Genetics Tuebingen
Classification: Benign. Last evaluated: 2026-09-01. Review status: criteria provided, single submitter. Criteria: CeGaT Center For Human Genetics Tuebingen Variant Classification Criteria Version 2. Collection method: clinical testing. Allele origin: germline. Affected: yes. Observed: 46 variant alleles.
Comment: RYR1: BP4, BP7, BS1, BS2

Labcorp Genetics (formerly Invitae), Labcorp
Classification: Benign for RYR1-related disorder. Last evaluated: 2026-02-01. Review status: criteria provided, single submitter. Criteria: Invitae Variant Classification Sherloc (09022015). Collection method: clinical testing. Allele origin: germline.

ARUP Laboratories, Molecular Genetics and Genomics, ARUP Laboratories
Classification: Benign. Last evaluated: 2025-01-13. Review status: criteria provided, single submitter. Criteria: ARUP Molecular Germline Variant Investigation Process 2024. Collection method: clinical testing. Allele origin: germline.

Blueprint Genetics
Classification: Likely benign. Last evaluated: 2024-11-27. Review status: criteria provided, single submitter. Criteria: ACMG Guidelines, 2015. Collection method: clinical testing. Allele origin: germline.

Athena Diagnostics
Classification: Benign. Last evaluated: 2024-07-30. Review status: criteria provided, single submitter. Criteria: Athena Diagnostics Criteria. Collection method: clinical testing. Allele origin: unknown.

All of Us Research Program, National Institutes of Health
Classification: Benign for Malignant hyperthermia, susceptibility to, 1. Last evaluated: 2024-02-05. Review status: criteria provided, single submitter. Criteria: ACMG Guidelines, 2015. Collection method: clinical testing. Allele origin: germline. Inheritance: Autosomal dominant inheritance. Observed: 872 variant alleles, 870 heterozygotes, 2 homozygotes.
Comment: This study involves interpretation of variants in research participants for the purpose of population health screening. Participant phenotype was not available at the time of variant classification. Additional details can be found in publication PMID: 35346344, PMCID: PMC8962531

Color Diagnostics, LLC DBA Color Health
Classification: Benign for Malignant hyperthermia, susceptibility to, 1. Last evaluated: 2022-09-16. Review status: criteria provided, single submitter. Criteria: ACMG Guidelines, 2015. Collection method: clinical testing. Allele origin: germline.

GeneDx
Classification: Benign. Last evaluated: 2019-03-15. Review status: criteria provided, single submitter. Criteria: GeneDx Variant Classification Process June 2021. Collection method: clinical testing. Allele origin: germline. Affected: yes.
Comment: This variant is associated with the following publications: (PMID: 22473935, 19191333, 25428687, 30325262)

Mayo Clinic Laboratories, Mayo Clinic
Classification: Benign. Last evaluated: 2018-05-11. Review status: criteria provided, single submitter. Criteria: ACMG Guidelines, 2015. Collection method: clinical testing. Allele origin: germline. Observed: 10 variant alleles.

PreventionGenetics, part of Exact Sciences
Classification: Benign. Last evaluated: 2018-02-23. Review status: criteria provided, single submitter. Criteria: ACMG Guidelines, 2015. Collection method: clinical testing. Allele origin: germline.

Illumina Laboratory Services, Illumina
Classification: Benign for Congenital multicore myopathy with external ophthalmoplegia. Last evaluated: 2018-01-12. Review status: criteria provided, single submitter. Criteria: ICSL Variant Classification Criteria 13 December 2019. Collection method: clinical testing. Allele origin: germline.
Comment: This variant was observed in the ICSL laboratory as part of a predisposition screen in an ostensibly healthy population. It had not been previously curated by ICSL or reported in the Human Gene Mutation Database (HGMD: prior to June 1st, 2018), and was therefore a candidate for classification through an automated scoring system. Utilizing variant allele frequency, disease prevalence and penetrance estimates, and inheritance mode, an automated score was calculated to assess if this variant is too frequent to cause the disease. Based on the score and internal cut-off values, a variant classified as benign is not then subjected to further curation. The score for this variant resulted in a classification of benign for this disease.

Illumina Laboratory Services, Illumina
Classification: Benign for Malignant hyperthermia, susceptibility to, 1. Last evaluated: 2018-01-12. Review status: criteria provided, single submitter. Criteria: ICSL Variant Classification Criteria 13 December 2019. Collection method: clinical testing. Allele origin: germline.
Comment: the same text as in the submission from Illumina Laboratory Services, Illumina above.

Genetic Services Laboratory, University of Chicago
Classification: Benign. Last evaluated: 2016-04-27. Review status: criteria provided, single submitter. Criteria: ACMG Guidelines, 2015. Collection method: clinical testing. Allele origin: germline. Affected: no.

Eurofins Ntd Llc (ga)
Classification: Benign. Last evaluated: 2014-01-02. Review status: criteria provided, single submitter. Criteria: EGL Classification Definitions 2015. Collection method: clinical testing. Allele origin: germline. Observed: 1 variant allele, 1 heterozygote.

Breakthrough Genomics
Classification: Likely benign. Review status: criteria provided, single submitter. Criteria: ACMG Guidelines, 2015. Collection method: not provided. Allele origin: germline. Inheritance: Autosomal recessive inheritance. Affected: yes.

Genome Diagnostics Laboratory, University Medical Center Utrecht
Classification: Likely benign. Review status: no assertion criteria provided. Collection method: clinical testing. Allele origin: germline. Affected: yes. Study: VKGL Data-share Consensus. Not counted in ClinVar's aggregate classification.

Joint Genome Diagnostic Labs from Nijmegen and Maastricht, Radboudumc and MUMC+
Classification: Benign. Review status: no assertion criteria provided. Collection method: clinical testing. Allele origin: germline. Affected: yes. Study: VKGL Data-share Consensus. Not counted in ClinVar's aggregate classification.

Literature cited by the submitters: PubMed 30325262 (cited by Athena Diagnostics); PubMed 19191333 (cited by Athena Diagnostics).

NM_000540.3(RYR1):c.8376G>A (p.Arg2792=)

Genes: RYR1 (ryanodine receptor 1; plus strand), LOC126862902 (BRD4-independent group 4 enhancer GRCh37_chr19:38995830-38997029; plus strand). Cytogenetic location: 19q13.2.
Variant type: single nucleotide variant.
Coding change: c.8376G>A on transcript NM_000540.3 (MANE Select); coding-DNA position 8376, G replaced by A.
Protein change: p.Arg2792=; no amino-acid change (arginine 2792 retained).
Molecular consequence: synonymous variant.
Genome position (GRCh38, 1-based): chr19:38,505,374, G>A. VCF-style: chr19-38505374-G-A. GRCh37 (hg19) VCF-style: chr19-38996014-G-A.
Other names: p.Arg2792=; c.8376G>A, p.Arg2792= (NM_001042723.2).
Identifiers: ClinVar variation 167620 (VCV000167620.68), dbSNP rs150388417, ClinGen allele CA024916.